The following is an entry in ClinVar:

NM_001042492.3(NF1):c.2992T>G (p.Tyr998Asp)

Gene: NF1 (neurofibromin 1; plus strand). Cytogenetic location: 17q11.2.
Variant type: single nucleotide variant.
Coding change: c.2992T>G on transcript NM_001042492.3 (MANE Select); coding-DNA position 2992, T replaced by G.
Protein change: p.Tyr998Asp; replaces tyrosine 998 with aspartic acid.
Molecular consequence: missense variant.
Genome position (GRCh38, 1-based): chr17:31,230,261, T>G. VCF-style: chr17-31230261-T-G. GRCh37 (hg19) VCF-style: chr17-29557279-T-G.
Other names: c.2992T>G, p.Tyr998Asp (NM_000267.4); short protein forms Y998D.
Identifiers: ClinVar variation 2137974 (VCV002137974.4), dbSNP rs2151431469, ClinGen allele CA398986504.

ClinVar aggregate classification (germline): Uncertain significance (1 of 4 stars; one submission).

Conditions:
Neurofibromatosis, type 1 (NF1). Also called: Peripheral type neurofibromatosis; VON RECKLINGHAUSEN DISEASE; NEUROFIBROMATOSIS, TYPE I, SOMATIC; Neurofibromatosis, type I. Identifiers: Orphanet 636, MedGen C0027831, MONDO:0018975, OMIM 162200. Disease mechanism: loss of function.

Submission:

Labcorp Genetics (formerly Invitae), Labcorp
Classification: Uncertain significance for Neurofibromatosis, type 1. Last evaluated: 2022-03-31. Review status: criteria provided, single submitter. Criteria: Invitae Variant Classification Sherloc (09022015). Collection method: clinical testing. Allele origin: germline.
Comment: This missense change has been observed in individual(s) with clinical features of NF1-related conditions (Invitae). In summary, the available evidence is currently insufficient to determine the role of this variant in disease. Therefore, it has been classified as a Variant of Uncertain Significance. Algorithms developed to predict the effect of missense changes on protein structure and function are either unavailable or do not agree on the potential impact of this missense change (SIFT: "Tolerated"; PolyPhen-2: "Probably Damaging"; Align-GVGD: "Class C0"). This variant is not present in population databases (gnomAD no frequency). This sequence change replaces tyrosine, which is neutral and polar, with aspartic acid, which is acidic and polar, at codon 998 of the NF1 protein (p.Tyr998Asp).